The following is an entry in ClinVar:

ClinVar aggregate classification (germline): Likely pathogenic (1 of 4 stars; one submission).

Conditions:
KMT2D-related disorder. Also called: KMT2D-Related Disorders.

Submission:

PreventionGenetics, part of Exact Sciences
Classification: Likely pathogenic for KMT2D-related condition. Last evaluated: 2025-03-10. Review status: criteria provided, single submitter. Criteria: ACMG Guidelines, 2015. Collection method: clinical testing. Allele origin: germline.
Comment: The KMT2D c.13762C>T variant is predicted to result in premature protein termination (p.Gln4588*). To our knowledge, this variant has not been reported in the literature or in a large population database (gnomAD), indicating this variant is rare. Nonsense variants in KMT2D are expected to be pathogenic. This variant is interpreted as likely pathogenic.

NM_003482.4(KMT2D):c.13762C>T (p.Gln4588Ter)

Gene: KMT2D (lysine methyltransferase 2D; minus strand). Cytogenetic location: 12q13.12.
Variant type: single nucleotide variant.
Coding change: c.13762C>T on transcript NM_003482.4 (MANE Select); coding-DNA position 13762, C replaced by T.
Protein change: p.Gln4588Ter; replaces glutamine 4588 with a stop codon.
Molecular consequence: nonsense.
Genome position (GRCh38, 1-based): chr12:49,030,678, G>A on the plus strand (C>T on the coding strand, the complement: KMT2D is on the minus strand). VCF-style: chr12-49030678-G-A. GRCh37 (hg19) VCF-style: chr12-49424461-G-A.
Other names: short protein forms Q4588*.
Identifiers: ClinVar variation 4998714 (VCV004998714.1).